The following is an entry in ClinVar:

ClinVar aggregate classification (germline): Uncertain significance (1 of 4 stars; one submission).

Conditions:
Hajdu-Cheney syndrome (HJCYS). Also called: ACROOSTEOLYSIS WITH OSTEOPOROSIS AND CHANGES IN SKULL AND MANDIBLE; SERPENTINE FIBULA-POLYCYSTIC KIDNEY SYNDROME; Acroosteolysis dominant type. Identifiers: Orphanet 955, MedGen C0917715, MONDO:0007057, OMIM 102500.

gnomAD v4.1: 2 of 1,614,086 alleles (0.00012%); highest among the groups gnomAD compares: Admixed American, 0.0017%; no homozygotes.

Submission:

Labcorp Genetics (formerly Invitae), Labcorp
Classification: Uncertain significance for Hajdu-Cheney syndrome. Last evaluated: 2025-12-08. Review status: criteria provided, single submitter. Criteria: Invitae Variant Classification Sherloc (09022015). Collection method: clinical testing. Allele origin: germline.
Comment: This sequence change replaces proline, which is neutral and non-polar, with serine, which is neutral and polar, at codon 2387 of the NOTCH2 protein (p.Pro2387Ser). This variant is present in population databases (no rsID available, gnomAD 0.003%). This variant has not been reported in the literature in individuals affected with NOTCH2-related conditions. Invitae Evidence Modeling of protein sequence and biophysical properties (such as structural, functional, and spatial information, amino acid conservation, physicochemical variation, residue mobility, and thermodynamic stability) indicates that this missense variant is not expected to disrupt NOTCH2 protein function with a negative predictive value of 80%. In summary, the available evidence is currently insufficient to determine the role of this variant in disease. Therefore, it has been classified as a Variant of Uncertain Significance.

NM_024408.4(NOTCH2):c.7159C>T (p.Pro2387Ser)

Gene: NOTCH2 (notch receptor 2; minus strand). Cytogenetic location: 1p12.
Variant type: single nucleotide variant.
Coding change: c.7159C>T on transcript NM_024408.4 (MANE Select); coding-DNA position 7159, C replaced by T.
Protein change: p.Pro2387Ser; replaces proline 2387 with serine.
Molecular consequence: missense variant.
Genome position (GRCh38, 1-based): chr1:119,915,563, G>A on the plus strand (C>T on the coding strand, the complement: NOTCH2 is on the minus strand). VCF-style: chr1-119915563-G-A. GRCh37 (hg19) VCF-style: chr1-120458186-G-A.
Other names: short protein forms P2387S.
Identifiers: ClinVar variation 4754750 (VCV004754750.1).